The following is an entry in ClinVar:

NM_000455.5(STK11):c.938A>G (p.His313Arg)

Gene: STK11 (serine/threonine kinase 11; plus strand). Cytogenetic location: 19p13.3.
Variant type: single nucleotide variant.
Coding change: c.938A>G on transcript NM_000455.5 (MANE Select); coding-DNA position 938, A replaced by G.
Protein change: p.His313Arg; replaces histidine 313 with arginine.
Molecular consequence: missense variant. On other transcripts: non-coding transcript variant (1).
Genome position (GRCh38, 1-based): chr19:1,223,002, A>G. VCF-style: chr19-1223002-A-G. GRCh37 (hg19) VCF-style: chr19-1223001-A-G.
Other names: c.938A>G, p.His313Arg (NM_001407255.1); short protein forms H313R.
Identifiers: ClinVar variation 3072485 (VCV003072485.1), dbSNP rs2145430681, ClinGen allele CA402951479.

ClinVar aggregate classification (germline): Uncertain significance (1 of 4 stars; one submission).

Conditions:
Peutz-Jeghers syndrome (PJS). Also called: POLYPOSIS, HAMARTOMATOUS INTESTINAL; POLYPS-AND-SPOTS SYNDROME; Peutz-Jeghers polyposis; Periorificial lentiginosis syndrome. Identifiers: Orphanet 2869, MedGen C0031269, MeSH D010580, MONDO:0008280, OMIM 175200.

Submission:

All of Us Research Program, National Institutes of Health
Classification: Uncertain significance for Peutz-Jeghers syndrome. Last evaluated: 2023-07-19. Review status: criteria provided, single submitter. Criteria: ACMG Guidelines, 2015. Collection method: clinical testing. Allele origin: germline. Inheritance: Autosomal dominant inheritance. Observed: 1 variant allele, 1 heterozygote.
Comment: This missense variant replaces histidine with arginine at codon 313 of the STK11 protein. Computational prediction suggests that this variant may not impact protein structure and function (internally defined REVEL score threshold <= 0.5, PMID: 27666373). To our knowledge, functional studies have not been reported for this variant. This variant has not been reported in individuals affected with STK11-related disorders in the literature. This variant has not been identified in the general population by the Genome Aggregation Database (gnomAD). The available evidence is insufficient to determine the role of this variant in disease conclusively. Therefore, this variant is classified as a Variant of Uncertain Significance.

This study involves interpretation of variants in research participants for the purpose of population health screening. Participant phenotype was not available at the time of variant classification. Additional details can be found in publication PMID: 35346344, PMCID: PMC8962531